The following is an entry in ClinVar:

NM_001199397.3(NEK1):c.1916A>C (p.His639Pro)

Gene: NEK1 (NIMA related kinase 1; minus strand). Cytogenetic location: 4q33.
Variant type: single nucleotide variant.
Coding change: c.1916A>C on transcript NM_001199397.3 (MANE Select); coding-DNA position 1916, A replaced by C.
Protein change: p.His639Pro; replaces histidine 639 with proline.
Molecular consequence: missense variant. On other transcripts: non-coding transcript variant (1), intron variant (1).
Genome position (GRCh38, 1-based): chr4:169,507,128, T>G on the plus strand (A>C on the coding strand, the complement: NEK1 is on the minus strand). VCF-style: chr4-169507128-T-G. GRCh37 (hg19) VCF-style: chr4-170428279-T-G.
Other names: c.1784A>C, p.His595Pro (NM_001199398.3); c.1625A>C, p.His542Pro (NM_001199399.3); c.1700A>C, p.His567Pro (NM_001199400.3); c.1916A>C, p.His639Pro (NM_001374418.1); c.1832A>C, p.His611Pro (NM_001374419.1, NM_012224.4); c.1781A>C, p.His594Pro (NM_001374420.1); c.1701+587A>C (NM_001374421.1); short protein forms H595P, H542P, H594P, H611P, H639P, H567P.
Identifiers: ClinVar variation 1481743 (VCV001481743.8), dbSNP rs1295340811, ClinGen allele CA358731427.
Genomic context (GRCh38, chr4:169,507,128, plus strand): 5'-TAAGCCTCCTTTCTCTTTCGTTCTAGTTGTTCTTTTAGTACAGCAGCACGTGCATTTGCA[T>G]GGGCCTAAAAATAAAAACAATTAACAAAATGAGTTACCAGAAAGAAGGGCAGAGGTTTTT-3'
Protein context (NP_001186326.1, residues 629-649): RRKKIESLKA[His639Pro]ANARAAVLKE

ClinVar aggregate classification (germline): Uncertain significance (1 of 4 stars; one submission).

Conditions:
Short-rib thoracic dysplasia 6 with or without polydactyly (SRTD6). Also called: SHORT-RIB THORACIC DYSPLASIA 6 WITH POLYDACTYLY; POLYDACTYLY WITH NEONATAL CHONDRODYSTROPHY, TYPE II; SHORT-RIB THORACIC DYSPLASIA 6 WITHOUT POLYDACTYLY; Majewski Syndrome; SHORT RIB-POLYDACTYLY SYNDROME, TYPE IIA. Identifiers: MedGen C0024507, MONDO:0009894, OMIM 263520.

Allele frequency attached by ClinVar (database versions not stated): TOPMed below 0.00001.
gnomAD v4.1: 1 of 1,588,850 alleles (0.000063%); highest among the groups gnomAD compares: Non-Finnish European, 0.000086%; no homozygotes.

Submission:

Labcorp Genetics (formerly Invitae), Labcorp
Classification: Uncertain significance for Short-rib thoracic dysplasia 6 with or without polydactyly. Last evaluated: 2024-02-24. Review status: criteria provided, single submitter. Criteria: Invitae Variant Classification Sherloc (09022015). Collection method: clinical testing. Allele origin: germline.
Comment: This sequence change replaces histidine, which is basic and polar, with proline, which is neutral and non-polar, at codon 611 of the NEK1 protein (p.His611Pro). This variant is not present in population databases (gnomAD no frequency). This variant has not been reported in the literature in individuals affected with NEK1-related conditions. ClinVar contains an entry for this variant (Variation ID: 1481743). Advanced modeling of protein sequence and biophysical properties (such as structural, functional, and spatial information, amino acid conservation, physicochemical variation, residue mobility, and thermodynamic stability) performed at Invitae indicates that this missense variant is not expected to disrupt NEK1 protein function with a negative predictive value of 80%. In summary, the available evidence is currently insufficient to determine the role of this variant in disease. Therefore, it has been classified as a Variant of Uncertain Significance.